The following is an entry in ClinVar:

NM_006755.2(TALDO1):c.494A>G (p.Asn165Ser)

Genes: TALDO1 (transaldolase 1; plus strand), LOC126861110 (CDK7 strongly-dependent group 2 enhancer GRCh37_chr11:762588-763787; plus strand). Cytogenetic location: 11p15.5.
Variant type: single nucleotide variant.
Coding change: c.494A>G on transcript NM_006755.2 (MANE Select); coding-DNA position 494, A replaced by G.
Protein change: p.Asn165Ser; replaces asparagine 165 with serine.
Molecular consequence: missense variant.
Genome position (GRCh38, 1-based): chr11:763,376, A>G. VCF-style: chr11-763376-A-G. GRCh37 (hg19) VCF-style: chr11-763376-A-G.
Other names: c.494A>G (NM_006755.1); short protein forms N165S.
Identifiers: ClinVar variation 1477840 (VCV001477840.7), dbSNP rs759905924, ClinGen allele CA5788192.
Genomic context (GRCh38, chr11:763,376, plus strand): 5'-CCCGCCCTCACCTGTCCCCGCCCCGCAGGGAGCTCGAGGAGCAGCACGGCATCCACTGCA[A>G]CATGACGTTACTCTTCTCCTTCGCCCAGGCTGTGGCCTGTGCCGAGGCGGGTGTGACCCT-3'
Protein context (NP_006746.1, residues 155-175): ELEEQHGIHC[Asn165Ser]MTLLFSFAQA

ClinVar aggregate classification (germline): Uncertain significance. Review status: criteria provided, multiple submitters, no conflicts (2 of 4 stars). 2 submissions from 2 submitters: Uncertain significance (2). Last evaluated 2024-10-28.

Conditions:
Inborn genetic diseases. Identifiers: MedGen C0950123, MeSH D030342.

Allele frequency attached by ClinVar (database versions not stated): ExAC 0.00001; gnomAD 0.00001; gnomAD exomes 0.00001 and 0.00002; TOPMed 0.00001.
gnomAD v4.1: 22 of 1,607,452 alleles (0.0014%); highest among the groups gnomAD compares: Non-Finnish European, 0.0018%; no homozygotes.

Submissions (2):

Labcorp Genetics (formerly Invitae), Labcorp
Classification: Uncertain significance. Last evaluated: 2024-10-28. Review status: criteria provided, single submitter. Criteria: Invitae Variant Classification Sherloc (09022015). Collection method: clinical testing. Allele origin: germline.
Comment: This sequence change replaces asparagine, which is neutral and polar, with serine, which is neutral and polar, at codon 165 of the TALDO1 protein (p.Asn165Ser). This variant is present in population databases (rs759905924, gnomAD 0.003%). This variant has not been reported in the literature in individuals affected with TALDO1-related conditions. ClinVar contains an entry for this variant (Variation ID: 1477840). Invitae Evidence Modeling of protein sequence and biophysical properties (such as structural, functional, and spatial information, amino acid conservation, physicochemical variation, residue mobility, and thermodynamic stability) indicates that this missense variant is expected to disrupt TALDO1 protein function with a positive predictive value of 80%. In summary, the available evidence is currently insufficient to determine the role of this variant in disease. Therefore, it has been classified as a Variant of Uncertain Significance.

Ambry Genetics
Classification: Uncertain significance for Inborn genetic diseases. Last evaluated: 2023-12-16. Review status: criteria provided, single submitter. Criteria: Ambry Variant Classification Scheme 2023. Collection method: clinical testing. Allele origin: germline.